The following is an entry in ClinVar:

NM_004230.4(S1PR2):c.477G>A (p.Ser159=)

Gene: S1PR2 (sphingosine-1-phosphate receptor 2; minus strand). Cytogenetic location: 19p13.2.
Variant type: single nucleotide variant.
Coding change: c.477G>A on transcript NM_004230.4 (MANE Select); coding-DNA position 477, G replaced by A.
Protein change: p.Ser159=; no amino-acid change (serine 159 retained).
Molecular consequence: synonymous variant.
Genome position (GRCh38, 1-based): chr19:10,224,429, C>T on the plus strand (G>A on the coding strand, the complement: S1PR2 is on the minus strand). VCF-style: chr19-10224429-C-T. GRCh37 (hg19) VCF-style: chr19-10335105-C-T.
Identifiers: ClinVar variation 1201244 (VCV001201244.14), dbSNP rs200965528, ClinGen allele CA9189083.

ClinVar aggregate classification (germline): Benign/Likely benign. Review status: criteria provided, multiple submitters, no conflicts (2 of 4 stars). 4 submissions from 4 submitters: Benign (1); Likely benign (2). 1 of the submissions does not count toward it. Last evaluated 2026-01-15.

Conditions:
S1PR2-related disorder. Also called: S1PR2-related condition.

Allele frequency attached by ClinVar (database versions not stated): gnomAD 0.00016 and 0.00054; TOPMed 0.00028; gnomAD exomes 0.00069 and 0.00133; 1000 Genomes Project 0.00140; ExAC 0.00148; 1000 Genomes Project 30x 0.00203.
gnomAD v4.1: 1,092 of 1,613,582 alleles (0.068%); highest among the groups gnomAD compares: South Asian, 1.1%; 12 homozygotes.

Submissions (4):

Labcorp Genetics (formerly Invitae), Labcorp
Classification: Benign. Last evaluated: 2026-01-15. Review status: criteria provided, single submitter. Criteria: Invitae Variant Classification Sherloc (09022015). Collection method: clinical testing. Allele origin: germline.

Blueprint Genetics
Classification: Likely benign. Last evaluated: 2024-10-23. Review status: criteria provided, single submitter. Criteria: ACMG Guidelines, 2015. Collection method: clinical testing. Allele origin: germline.

GeneDx
Classification: Likely benign. Last evaluated: 2020-04-06. Review status: criteria provided, single submitter. Criteria: GeneDx Variant Classification Process June 2021. Collection method: clinical testing. Allele origin: germline. Affected: yes.

PreventionGenetics, part of Exact Sciences
Classification: Benign for S1PR2-related condition. Last evaluated: 2019-06-15. Review status: no assertion criteria provided. Collection method: clinical testing. Allele origin: germline. Not counted in ClinVar's aggregate classification.
Comment: This variant is classified as benign based on ACMG/AMP sequence variant interpretation guidelines (Richards et al. 2015 PMID: 25741868, with internal and published modifications).